The following is an entry in ClinVar:

NM_014444.5(TUBGCP4):c.1272G>T (p.Glu424Asp)

Gene: TUBGCP4 (tubulin gamma complex component 4; plus strand). Cytogenetic location: 15q15.3.
Variant type: single nucleotide variant.
Coding change: c.1272G>T on transcript NM_014444.5 (MANE Select); coding-DNA position 1272, G replaced by T.
Protein change: p.Glu424Asp; replaces glutamic acid 424 with aspartic acid.
Molecular consequence: missense variant.
Genome position (GRCh38, 1-based): chr15:43,397,314, G>T. VCF-style: chr15-43397314-G-T. GRCh37 (hg19) VCF-style: chr15-43689512-G-T.
Other names: c.1272G>T, p.Glu424Asp (NM_001286414.3); short protein forms E424D.
Identifiers: ClinVar variation 1499859 (VCV001499859.6), dbSNP rs761734764, ClinGen allele CA392132347.

ClinVar aggregate classification (germline): Uncertain significance (1 of 4 stars; one submission).

gnomAD v4.1: 1 of 1,613,458 alleles (0.000062%); highest among the groups gnomAD compares: Non-Finnish European, 0.000085%; no homozygotes.

Submission:

Labcorp Genetics (formerly Invitae), Labcorp
Classification: Uncertain significance. Last evaluated: 2022-08-16. Review status: criteria provided, single submitter. Criteria: Invitae Variant Classification Sherloc (09022015). Collection method: clinical testing. Allele origin: germline.
Comment: This variant has not been reported in the literature in individuals affected with TUBGCP4-related conditions. In summary, the available evidence is currently insufficient to determine the role of this variant in disease. Therefore, it has been classified as a Variant of Uncertain Significance. Algorithms developed to predict the effect of missense changes on protein structure and function output the following: SIFT: "Tolerated"; PolyPhen-2: "Benign"; Align-GVGD: "Class C0". The aspartic acid amino acid residue is found in multiple mammalian species, which suggests that this missense change does not adversely affect protein function. ClinVar contains an entry for this variant (Variation ID: 1499859). This variant is not present in population databases (gnomAD no frequency). This sequence change replaces glutamic acid, which is acidic and polar, with aspartic acid, which is acidic and polar, at codon 424 of the TUBGCP4 protein (p.Glu424Asp).